The following is an entry in ClinVar:

ClinVar aggregate classification (germline): Conflicting classifications of pathogenicity. Review status: criteria provided, conflicting classifications (1 of 4 stars). 2 submissions from 2 submitters: Uncertain significance (1); Likely benign (1). Last evaluated 2024-05-01.

Conditions:
Maturity-onset diabetes of the young type 8 (MODY8). Also called: DIABETES-PANCREATIC EXOCRINE DYSFUNCTION SYNDROME; DIABETES AND PANCREATIC EXOCRINE DYSFUNCTION. Identifiers: Orphanet 552, MedGen C1853297, MONDO:0012348, OMIM 609812.

Allele frequency attached by ClinVar (database versions not stated): gnomAD exomes below 0.00001; gnomAD 0.00002; TOPMed 0.00002.
gnomAD v4.1: 5 of 1,613,704 alleles (0.00031%); highest among the groups gnomAD compares: Admixed American, 0.005%; no homozygotes.

Submissions (2):

CeGaT Center for Human Genetics Tuebingen
Classification: Likely benign. Last evaluated: 2024-05-01. Review status: criteria provided, single submitter. Criteria: CeGaT Center For Human Genetics Tuebingen Variant Classification Criteria Version 2. Collection method: clinical testing. Allele origin: germline. Affected: yes. Observed: 1 variant allele.
Comment: CEL: BP4

Clinical Genomics Laboratory, Washington University in St. Louis
Classification: Uncertain significance for Maturity-onset diabetes of the young type 8. Last evaluated: 2024-02-19. Review status: criteria provided, single submitter. Criteria: ACMG Guidelines, 2015. Collection method: clinical testing. Allele origin: germline.
Comment: The CEL c.382G>A (p.Ala128Thr) variant, to our knowledge, has not been reported in the medical literature. This variant is only observed on 2/280,814 alleles in the general population (gnomAD v2.1.1), indicating it is not a common variant. Computational predictors are uncertain as to the impact of this variant on CEL function. Due to limited information, and based on ACMG/AMP guidelines for variant interpretation (Richards S et al., PMID: 25741868), the clinical significance of the CEL c.382G>A (p.Ala128Thr) variant is uncertain at this time.

NM_001807.6(CEL):c.382G>A (p.Ala128Thr)

Gene: CEL (carboxyl ester lipase; plus strand). Cytogenetic location: 9q34.13.
Variant type: single nucleotide variant.
Coding change: c.382G>A on transcript NM_001807.6 (MANE Select); coding-DNA position 382, G replaced by A.
Protein change: p.Ala128Thr; replaces alanine 128 with threonine.
Molecular consequence: missense variant.
Genome position (GRCh38, 1-based): chr9:133,065,081, G>A. VCF-style: chr9-133065081-G-A. GRCh37 (hg19) VCF-style: chr9-135940468-G-A.
Other names: short protein forms A128T.
Identifiers: ClinVar variation 3237401 (VCV003237401.20), dbSNP rs1269812562.